The following is an entry in ClinVar:

ClinVar aggregate classification (germline): Pathogenic (0 of 4 stars; one submission).

Conditions:
Fanconi anemia complementation group A (FANCA). Also called: Fanconi anemia, group A; FANCA-Related Fanconi Anemia. Identifiers: Orphanet 84, MedGen C3469521, MONDO:0009215, OMIM 227650.

Submission:

Leiden Open Variation Database
Classification: Pathogenic for Fanconi anemia complementation group A. Last evaluated: 2020-02-28. Review status: no assertion criteria provided. Collection method: curation. Allele origin: germline. Affected: yes.
Comment: Curator: Arleen D. Auerbach. Submitter to LOVD: Johan de Winter.

Literature cited by the submitters: PubMed 17924555.

NC_000016.10:g.(89746891_89748658)_(89752223_89758576)del

Gene: FANCA (FA complementation group A; minus strand). Cytogenetic location: 16q24.3.
Variant type: Deletion.
Identifiers: ClinVar variation 974154 (VCV000974154.1).